The following is an entry in ClinVar:

ClinVar aggregate classification (germline): Benign. Review status: criteria provided, multiple submitters, no conflicts (2 of 4 stars). 2 submissions from 2 submitters: Benign (2). Last evaluated 2018-01-13.

Conditions:
Autoimmune lymphoproliferative syndrome type 2B. Also called: AUTOIMMUNE LYMPHOPROLIFERATIVE SYNDROME, TYPE IIB. Identifiers: Orphanet 275517, MedGen C1846545, MONDO:0011804, OMIM 607271.

Allele frequency attached by ClinVar (database versions not stated): gnomAD exomes 0.09407; gnomAD 0.09887 and 0.10452; TOPMed 0.10684; 1000 Genomes Project 30x 0.17536; 1000 Genomes Project 0.17772.
gnomAD v4.1: 19,309 of 188,986 alleles (10%); highest among the groups gnomAD compares: South Asian, 26%; 1,662 homozygotes.

Submissions (2):

Illumina Laboratory Services, Illumina
Classification: Benign for Autoimmune lymphoproliferative syndrome type 2B. Last evaluated: 2018-01-13. Review status: criteria provided, single submitter. Criteria: ICSL Variant Classification Criteria 13 December 2019. Collection method: clinical testing. Allele origin: germline.
Comment: This variant was observed in the ICSL laboratory as part of a predisposition screen in an ostensibly healthy population. It had not been previously curated by ICSL or reported in the Human Gene Mutation Database (HGMD: prior to June 1st, 2018), and was therefore a candidate for classification through an automated scoring system. Utilizing variant allele frequency, disease prevalence and penetrance estimates, and inheritance mode, an automated score was calculated to assess if this variant is too frequent to cause the disease. Based on the score and internal cut-off values, a variant classified as benign is not then subjected to further curation. The score for this variant resulted in a classification of benign for this disease.

Breakthrough Genomics
Classification: Benign. Review status: criteria provided, single submitter. Criteria: ACMG Guidelines, 2015. Collection method: not provided. Allele origin: germline. Inheritance: Autosomal recessive inheritance. Affected: yes.

NM_001372051.1(CASP8):c.*464T>C

Gene: CASP8 (caspase 8; plus strand). Cytogenetic location: 2q33.1.
Variant type: single nucleotide variant.
Coding change: c.*464T>C on transcript NM_001372051.1 (MANE Select); 464 bases downstream of the stop codon, T replaced by C.
Molecular consequence: 3 prime UTR variant. On other transcripts: non-coding transcript variant (22).
Genome position (GRCh38, 1-based): chr2:201,287,058, T>C. VCF-style: chr2-201287058-T-C. GRCh37 (hg19) VCF-style: chr2-202151781-T-C.
Other names: c.*464T>C (NM_001080124.2, NM_001080125.2, NM_001228.5 and 35 more transcripts).
Identifiers: ClinVar variation 333520 (VCV000333520.6), dbSNP rs1045494, ClinGen allele CA10612020.